The following is an entry in ClinVar:

NM_000371.4(TTR):c.133G>T (p.Ala45Ser)

Gene: TTR (transthyretin; plus strand). Cytogenetic location: 18q12.1.
Variant type: single nucleotide variant.
Coding change: c.133G>T on transcript NM_000371.4 (MANE Select); coding-DNA position 133, G replaced by T.
Protein change: p.Ala45Ser; replaces alanine 45 with serine.
Molecular consequence: missense variant.
Genome position (GRCh38, 1-based): chr18:31,592,959, G>T. VCF-style: chr18-31592959-G-T. GRCh37 (hg19) VCF-style: chr18-29172922-G-T.
Other names: short protein forms A45S.
Identifiers: ClinVar variation 1770339 (VCV001770339.2), dbSNP rs104894664, ClinGen allele CA402156682.

ClinVar aggregate classification (germline): Likely pathogenic (1 of 4 stars; one submission).

Conditions:
Cardiovascular phenotype. Identifiers: MedGen CN230736.

Submission:

Ambry Genetics
Classification: Likely pathogenic for Cardiovascular phenotype. Last evaluated: 2019-12-05. Review status: criteria provided, single submitter. Criteria: Ambry Variant Classification Scheme 2023. Collection method: clinical testing. Allele origin: germline.
Comment: The p.A45S variant (also known as c.133G>T and A25S), located in coding exon 2 of the TTR gene, results from a G to T substitution at nucleotide position 133. The alanine at codon 45 is replaced by serine, an amino acid with similar properties. This variant has been reported in two individuals with TTR amyloidosis (Yazaki M et al. Muscle Nerve, 2003 Oct;28:438-42; Hattori T et al. Amyloid, 2003 Dec;10:229-39; Ihse E et al. Amyloid, 2013 Sep;20:142-50). This amino acid position is highly conserved in available vertebrate species. In addition, this alteration is predicted to be deleterious by in silico analysis. Based on the majority of available evidence to date, this variant is likely to be pathogenic.

Literature cited by the submitters: PubMed 14506715; PubMed 14986482; PubMed 16399646; PubMed 23713495.